The following is an entry in ClinVar:

ClinVar aggregate classification (germline): Pathogenic (1 of 4 stars; one submission).

Conditions:
Mucopolysaccharidosis, MPS-IV-A (MPS4A). Also called: Morquio syndrome A, mild; MORQUIO SYNDROME A; GALACTOSAMINE-6-SULFATASE DEFICIENCY; GALNS DEFICIENCY; MORQUIO A DISEASE; Mucopolysaccharidosis type IV A. Identifiers: Orphanet 309297, Orphanet 582, MedGen C0086651, MONDO:0009659, OMIM 253000.

Submission:

Labcorp Genetics (formerly Invitae), Labcorp
Classification: Pathogenic for Mucopolysaccharidosis, MPS-IV-A. Last evaluated: 2022-08-23. Review status: criteria provided, single submitter. Criteria: Invitae Variant Classification Sherloc (09022015). Collection method: clinical testing. Allele origin: germline.
Comment: For these reasons, this variant has been classified as Pathogenic. This variant disrupts the p.Ser162 amino acid residue in GALNS. Other variant(s) that disrupt this residue have been determined to be pathogenic (PMID: 9385378, 10814710, 23876334, 29731656). This suggests that this residue is clinically significant, and that variants that disrupt this residue are likely to be disease-causing. Advanced modeling of protein sequence and biophysical properties (such as structural, functional, and spatial information, amino acid conservation, physicochemical variation, residue mobility, and thermodynamic stability) performed at Invitae indicates that this missense variant is expected to disrupt GALNS protein function. This missense change has been observed in individual(s) with clinical features of mucopolysaccharidosis type IVA (Invitae). This variant is not present in population databases (gnomAD no frequency). This sequence change replaces serine, which is neutral and polar, with tyrosine, which is neutral and polar, at codon 162 of the GALNS protein (p.Ser162Tyr).

Literature cited by the submitters: PubMed 9385378; PubMed 10814710; PubMed 23876334; PubMed 29731656.

NM_000512.5(GALNS):c.485C>A (p.Ser162Tyr)

Gene: GALNS (galactosamine (N-acetyl)-6-sulfatase; minus strand). Cytogenetic location: 16q24.3.
Variant type: single nucleotide variant.
Coding change: c.485C>A on transcript NM_000512.5 (MANE Select); coding-DNA position 485, C replaced by A.
Protein change: p.Ser162Tyr; replaces serine 162 with tyrosine.
Molecular consequence: missense variant. On other transcripts: 5 prime UTR variant (1).
Genome position (GRCh38, 1-based): chr16:88,837,703, G>T on the plus strand (C>A on the coding strand, the complement: GALNS is on the minus strand). VCF-style: chr16-88837703-G-T. GRCh37 (hg19) VCF-style: chr16-88904111-G-T.
Other names: c.-71C>A (NM_001323543.2); c.503C>A, p.Ser168Tyr (NM_001323544.2); short protein forms S162Y, S168Y.
Identifiers: ClinVar variation 2118605 (VCV002118605.4), dbSNP rs118204444, ClinGen allele CA397083114.